The following is an entry in ClinVar:

NM_000548.5(TSC2):c.2510C>T (p.Ala837Val)

Gene: TSC2 (TSC complex subunit 2; plus strand). Cytogenetic location: 16p13.3.
Variant type: single nucleotide variant.
Coding change: c.2510C>T on transcript NM_000548.5 (MANE Select); coding-DNA position 2510, C replaced by T.
Protein change: p.Ala837Val; replaces alanine 837 with valine.
Molecular consequence: missense variant.
Genome position (GRCh38, 1-based): chr16:2,074,354, C>T. VCF-style: chr16-2074354-C-T. GRCh37 (hg19) VCF-style: chr16-2124355-C-T.
Other names: c.2510C>T, p.Ala837Val (NM_001077183.3, NM_001114382.3, NM_001363528.2 and 3 more transcripts); c.2399C>T, p.Ala800Val (NM_001318827.2); c.2363C>T, p.Ala788Val (NM_001318829.2); c.1910C>T, p.Ala637Val (NM_001318831.2); c.2543C>T, p.Ala848Val (NM_001318832.2); c.2510C>T (NM_000548.3); short protein forms A637V, A800V, A788V, A837V, A848V.
Identifiers: ClinVar variation 1423393 (VCV001423393.9), dbSNP rs139919040, ClinGen allele CA394277882.
Genomic context (GRCh38, chr16:2,074,354, plus strand): 5'-ACATCATCATCAAGGCGCTGCCTGTTCTGGTGGTGAAGCTCACGCACATCTCAGCCACAG[C>T]CAGCATGGCCGTCCCACTGCTGGAGTTCCTGTCCAGTGAGTCCCCGCCCTGCCTGCGCAT-3'
Protein context (NP_000539.2, residues 827-847): VVKLTHISAT[Ala837Val]SMAVPLLEFL

ClinVar aggregate classification (germline): Uncertain significance. Review status: criteria provided, multiple submitters, no conflicts (2 of 4 stars). 2 submissions from 2 submitters: Uncertain significance (2). Last evaluated 2026-06-02.

Conditions:
Tuberous sclerosis 2 (TSC2). Identifiers: Orphanet 805, MedGen C1860707, MONDO:0013199, OMIM 613254.
Hereditary cancer-predisposing syndrome. Also called: Tumor predisposition; Neoplastic Syndromes, Hereditary; Hereditary Cancer Syndrome; Hereditary neoplastic syndrome. Identifiers: Orphanet 140162, MedGen C0027672, MeSH D009386, MONDO:0015356.

Submissions (2):

Ambry Genetics
Classification: Uncertain significance for Hereditary cancer-predisposing syndrome. Last evaluated: 2026-06-02. Review status: criteria provided, single submitter. Criteria: Ambry Variant Classification Scheme 2023. Collection method: clinical testing. Allele origin: germline.
Comment: The p.A837V variant (also known as c.2510C>T), located in coding exon 21 of the TSC2 gene, results from a C to T substitution at nucleotide position 2510. The alanine at codon 837 is replaced by valine, an amino acid with similar properties. This amino acid position is conserved. In addition, the in silico prediction for this alteration is inconclusive. Based on the available evidence, the clinical significance of this variant remains unclear.

Labcorp Genetics (formerly Invitae), Labcorp
Classification: Uncertain significance for Tuberous sclerosis 2. Last evaluated: 2026-01-05. Review status: criteria provided, single submitter. Criteria: Invitae Variant Classification Sherloc (09022015). Collection method: clinical testing. Allele origin: germline.
Comment: This sequence change replaces alanine, which is neutral and non-polar, with valine, which is neutral and non-polar, at codon 837 of the TSC2 protein (p.Ala837Val). This variant is not present in population databases (gnomAD no frequency). This variant has not been reported in the literature in individuals affected with TSC2-related conditions. ClinVar contains an entry for this variant (Variation ID: 1423393). Invitae Evidence Modeling of protein sequence and biophysical properties (such as structural, functional, and spatial information, amino acid conservation, physicochemical variation, residue mobility, and thermodynamic stability) indicates that this missense variant is not expected to disrupt TSC2 protein function with a negative predictive value of 95%. In summary, the available evidence is currently insufficient to determine the role of this variant in disease. Therefore, it has been classified as a Variant of Uncertain Significance.